The following is an entry in ClinVar:

NM_004725.4(BUB3):c.928G>A (p.Gly310Ser)

Gene: BUB3 (BUB3 mitotic checkpoint protein; plus strand). Cytogenetic location: 10q26.13.
Variant type: single nucleotide variant.
Coding change: c.928G>A on transcript NM_004725.4 (MANE Select); coding-DNA position 928, G replaced by A.
Protein change: p.Gly310Ser; replaces glycine 310 with serine.
Molecular consequence: missense variant.
Genome position (GRCh38, 1-based): chr10:123,162,785, G>A. VCF-style: chr10-123162785-G-A. GRCh37 (hg19) VCF-style: chr10-124922301-G-A.
Other names: c.928G>A, p.Gly310Ser (NM_001007793.3); short protein forms G310S.
Identifiers: ClinVar variation 1766439 (VCV001766439.2), dbSNP rs2493767293, ClinGen allele CA378627227.

ClinVar aggregate classification (germline): Uncertain significance (1 of 4 stars; one submission).

Submission:

Ambry Genetics
Classification: Uncertain significance. Last evaluated: 2021-10-20. Review status: criteria provided, single submitter. Criteria: Ambry Variant Classification Scheme 2023. Collection method: clinical testing. Allele origin: germline.
Comment: The p.G310S variant (also known as c.928G>A), located in coding exon 6 of the BUB3 gene, results from a G to A substitution at nucleotide position 928. The glycine at codon 310 is replaced by serine, an amino acid with similar properties. This amino acid position is conserved. In addition, this alteration is predicted to be tolerated by in silico analysis. Since supporting evidence is limited at this time, the clinical significance of this alteration remains unclear.